The following is an entry in ClinVar:

ClinVar aggregate classification (germline): Uncertain significance (1 of 4 stars; one submission).

Conditions:
Neurodegeneration with brain iron accumulation 6 (NBIA6). Also called: COASY protein-associated neurodegeneration. Identifiers: Orphanet 397725, MedGen C4517377, MONDO:0014290, OMIM 615643.

Allele frequency attached by ClinVar (database versions not stated): TOPMed below 0.00001; gnomAD exomes below 0.00001.
gnomAD v4.1: 1 of 1,611,430 alleles (0.000062%); highest among the groups gnomAD compares: Non-Finnish European, 0.000085%; no homozygotes.

Submission:

Labcorp Genetics (formerly Invitae), Labcorp
Classification: Uncertain significance for Neurodegeneration with brain iron accumulation 6. Last evaluated: 2022-04-11. Review status: criteria provided, single submitter. Criteria: Invitae Variant Classification Sherloc (09022015). Collection method: clinical testing. Allele origin: germline.
Comment: In summary, the available evidence is currently insufficient to determine the role of this variant in disease. Therefore, it has been classified as a Variant of Uncertain Significance. Algorithms developed to predict the effect of missense changes on protein structure and function (SIFT, PolyPhen-2, Align-GVGD) all suggest that this variant is likely to be tolerated. This variant has not been reported in the literature in individuals affected with COASY-related conditions. This variant is not present in population databases (gnomAD no frequency). This sequence change replaces proline, which is neutral and non-polar, with serine, which is neutral and polar, at codon 98 of the COASY protein (p.Pro98Ser).

NM_025233.7(COASY):c.292C>T (p.Pro98Ser)

Gene: COASY (Coenzyme A synthase; plus strand). Cytogenetic location: 17q21.2.
Variant type: single nucleotide variant.
Coding change: c.292C>T on transcript NM_025233.7 (MANE Select); coding-DNA position 292, C replaced by T.
Protein change: p.Pro98Ser; replaces proline 98 with serine.
Molecular consequence: missense variant.
Genome position (GRCh38, 1-based): chr17:42,562,914, C>T. VCF-style: chr17-42562914-C-T. GRCh37 (hg19) VCF-style: chr17-40714932-C-T.
Other names: c.292C>T, p.Pro98Ser (NM_001042529.3); c.379C>T, p.Pro127Ser (NM_001042532.4); short protein forms P98S, P127S.
Identifiers: ClinVar variation 1957612 (VCV001957612.5), dbSNP rs893787377, ClinGen allele CA290797350.
Genomic context (GRCh38, chr17:42,562,914, plus strand): 5'-CACAGGCACTTGGACGTCAGAATCCTACTGACCAATATCCGAACCAAGAGCACCTTTCTC[C>T]CTCCCCTGCCCACCTCAGTCCAGAATCTCGCCCACCCGCCAGAAGTCGTGTTGACAGATT-3'
Protein context (NP_079509.5, residues 88-108): TNIRTKSTFL[Pro98Ser]PLPTSVQNLA